The following is an entry in ClinVar:

NM_001844.5(COL2A1):c.903G>T (p.Glu301Asp)

Gene: COL2A1 (collagen type II alpha 1 chain; minus strand). Cytogenetic location: 12q13.11.
Variant type: single nucleotide variant.
Coding change: c.903G>T on transcript NM_001844.5 (MANE Select); coding-DNA position 903, G replaced by T.
Protein change: p.Glu301Asp; replaces glutamic acid 301 with aspartic acid.
Molecular consequence: missense variant.
Genome position (GRCh38, 1-based): chr12:47,993,830, C>A on the plus strand (G>T on the coding strand, the complement: COL2A1 is on the minus strand). VCF-style: chr12-47993830-C-A. GRCh37 (hg19) VCF-style: chr12-48387613-C-A.
Other names: c.696G>T, p.Glu232Asp (NM_033150.3); short protein forms E301D, E232D.
Identifiers: ClinVar variation 963931 (VCV000963931.10), dbSNP rs1939821446, ClinGen allele CA384521895.

ClinVar aggregate classification (germline): Uncertain significance (1 of 4 stars; one submission).

Submission:

Labcorp Genetics (formerly Invitae), Labcorp
Classification: Uncertain significance. Last evaluated: 2022-02-10. Review status: criteria provided, single submitter. Criteria: Invitae Variant Classification Sherloc (09022015). Collection method: clinical testing. Allele origin: germline.
Comment: In summary, the available evidence is currently insufficient to determine the role of this variant in disease. Therefore, it has been classified as a Variant of Uncertain Significance. Advanced modeling of protein sequence and biophysical properties (such as structural, functional, and spatial information, amino acid conservation, physicochemical variation, residue mobility, and thermodynamic stability) performed at Invitae indicates that this missense variant is not expected to disrupt COL2A1 protein function. ClinVar contains an entry for this variant (Variation ID: 963931). This variant has not been reported in the literature in individuals affected with COL2A1-related conditions. This variant is not present in population databases (gnomAD no frequency). This sequence change replaces glutamic acid, which is acidic and polar, with aspartic acid, which is acidic and polar, at codon 301 of the COL2A1 protein (p.Glu301Asp).